The following is an entry in ClinVar:

NM_021098.3(CACNA1H):c.5845C>A (p.Gln1949Lys)

Gene: CACNA1H (calcium voltage-gated channel subunit alpha1 H; plus strand). Cytogenetic location: 16p13.3.
Variant type: single nucleotide variant.
Coding change: c.5845C>A on transcript NM_021098.3 (MANE Select); coding-DNA position 5845, C replaced by A.
Protein change: p.Gln1949Lys; replaces glutamine 1949 with lysine.
Molecular consequence: missense variant.
Genome position (GRCh38, 1-based): chr16:1,218,609, C>A. VCF-style: chr16-1218609-C-A. GRCh37 (hg19) VCF-style: chr16-1268609-C-A.
Other names: c.5827C>A, p.Gln1943Lys (NM_001005407.2); short protein forms Q1943K, Q1949K.
Identifiers: ClinVar variation 4789787 (VCV004789787.1).
Genomic context (GRCh38, chr16:1,218,609, plus strand): 5'-AACGACAGCTACATGTTCAGGCCCGTGGTGCCTGCCTCGGCGCCCCACCCCCGCCCGCTG[C>A]AGGAGGTGGAGATGGAGACCTATGGGGCCGGCACCCCCTTGGGTATGGTAGCCAGCAGGA-3'
Protein context (NP_066921.2, residues 1939-1959): PASAPHPRPL[Gln1949Lys]EVEMETYGAG

ClinVar aggregate classification (germline): Uncertain significance (1 of 4 stars; one submission).

Conditions:
Hyperaldosteronism, familial, type IV (HALD4). Also called: FH IV; ALDOSTERONISM, PRIMARY, AND HYPERTENSION. Identifiers: Orphanet 642671, MedGen C4310756, MONDO:0014875, OMIM 617027.
Idiopathic generalized epilepsy. Also called: Generalised epilepsy; EIG. Identifiers: MedGen C0270850, MONDO:0005579, OMIM 600669.

Submission:

Labcorp Genetics (formerly Invitae), Labcorp
Classification: Uncertain significance for Idiopathic generalized epilepsy; Hyperaldosteronism, familial, type IV. Last evaluated: 2025-08-21. Review status: criteria provided, single submitter. Criteria: Invitae Variant Classification Sherloc (09022015). Collection method: clinical testing. Allele origin: germline.
Comment: This sequence change replaces glutamine, which is neutral and polar, with lysine, which is basic and polar, at codon 1949 of the CACNA1H protein (p.Gln1949Lys). This variant is not present in population databases (gnomAD no frequency). This variant has not been reported in the literature in individuals affected with CACNA1H-related conditions. Invitae Evidence Modeling of protein sequence and biophysical properties (such as structural, functional, and spatial information, amino acid conservation, physicochemical variation, residue mobility, and thermodynamic stability) indicates that this missense variant is not expected to disrupt CACNA1H protein function with a negative predictive value of 95%. In summary, the available evidence is currently insufficient to determine the role of this variant in disease. Therefore, it has been classified as a Variant of Uncertain Significance.